The following is an entry in ClinVar:

ClinVar aggregate classification (germline): Pathogenic (1 of 4 stars; one submission).

Conditions:
Chédiak-Higashi syndrome (CHS). Also called: Chediak-Higashi Syndrome. Identifiers: Orphanet 167, MedGen C0007965, MONDO:0008963, OMIM 214500.

Allele frequency attached by ClinVar (database versions not stated): TOPMed below 0.00001; gnomAD 0.00001.

Submission:

Labcorp Genetics (formerly Invitae), Labcorp
Classification: Pathogenic for Chédiak-Higashi syndrome. Last evaluated: 2020-10-31. Review status: criteria provided, single submitter. Criteria: Invitae Variant Classification Sherloc (09022015). Collection method: clinical testing. Allele origin: germline.
Comment: This sequence change creates a premature translational stop signal (p.Gln1660*) in the LYST gene. It is expected to result in an absent or disrupted protein product. Loss-of-function variants in LYST are known to be pathogenic (PMID: 9215679, 11857544). This variant is not present in population databases (ExAC no frequency). This variant has not been reported in the literature in individuals with LYST-related conditions. For these reasons, this variant has been classified as Pathogenic.

Literature cited by the submitters: PubMed 9215679; PubMed 11857544.

NM_000081.4(LYST):c.4978C>T (p.Gln1660Ter)

Gene: LYST (lysosomal trafficking regulator; minus strand). Cytogenetic location: 1q42.3.
Variant type: single nucleotide variant.
Coding change: c.4978C>T on transcript NM_000081.4 (MANE Select); coding-DNA position 4978, C replaced by T.
Protein change: p.Gln1660Ter; replaces glutamine 1660 with a stop codon.
Molecular consequence: nonsense.
Genome position (GRCh38, 1-based): chr1:235,781,972, G>A on the plus strand (C>T on the coding strand, the complement: LYST is on the minus strand). VCF-style: chr1-235781972-G-A. GRCh37 (hg19) VCF-style: chr1-235945272-G-A.
Other names: c.4978C>T, p.Gln1660Ter (NM_001301365.1); short protein forms Q1660*.
Identifiers: ClinVar variation 1401196 (VCV001401196.1), dbSNP rs1669915673, ClinGen allele CA344955951.